The following is an entry in ClinVar:

ClinVar aggregate classification (germline): Pathogenic/Likely pathogenic. Review status: criteria provided, multiple submitters, no conflicts (2 of 4 stars). 4 submissions from 4 submitters: Pathogenic (2); Likely pathogenic (1). 1 of the submissions does not count toward it. Last evaluated 2025-11-04.

Conditions:
Cryopyrin associated periodic syndrome (CAPS). Identifiers: Orphanet 208650, MedGen C2316212, MONDO:0016168.
Familial cold autoinflammatory syndrome 1 (FCAS1). Also called: Familial cold inflammatory syndrome 1; CRYOPYRIN-ASSOCIATED PERIODIC SYNDROME 1. Identifiers: Orphanet 47045, MedGen C4551895, MONDO:0007349, OMIM 120100.

Submissions (4):

Labcorp Genetics (formerly Invitae), Labcorp
Classification: Pathogenic for Cryopyrin associated periodic syndrome. Last evaluated: 2025-11-04. Review status: criteria provided, single submitter. Criteria: Invitae Variant Classification Sherloc (09022015). Collection method: clinical testing. Allele origin: germline.
Comment: This sequence change replaces glutamic acid, which is acidic and polar, with lysine, which is basic and polar, at codon 569 of the NLRP3 protein (p.Glu569Lys). This variant is not present in population databases (gnomAD no frequency). This missense change has been observed in individual(s) with cryopyrin-associated periodic syndromes (PMID: 18063752, 21702021, 25584041, 29163488). In at least one individual the variant was observed to be de novo. This variant is also known as p.Glu567Lys, E567K, and 1699G>A. ClinVar contains an entry for this variant (Variation ID: 97944). Invitae Evidence Modeling of protein sequence and biophysical properties (such as structural, functional, and spatial information, amino acid conservation, physicochemical variation, residue mobility, and thermodynamic stability) has been performed for this missense variant. However, the output from this modeling did not meet the statistical confidence thresholds required to predict the impact of this variant on NLRP3 protein function. Experimental studies have shown that this missense change affects NLRP3 function (PMID: 18063752, 21702021). For these reasons, this variant has been classified as Pathogenic.

CeGaT Center for Human Genetics Tuebingen
Classification: Pathogenic. Last evaluated: 2024-10-01. Review status: criteria provided, single submitter. Criteria: CeGaT Center For Human Genetics Tuebingen Variant Classification Criteria Version 2. Collection method: clinical testing. Allele origin: germline. Affected: yes. Observed: 1 variant allele.
Comment: NLRP3: PM1:Strong, PS2, PM2, PS4:Moderate, PS3:Supporting

MGZ Medical Genetics Center
Classification: Likely pathogenic for Familial cold autoinflammatory syndrome 1. Last evaluated: 2022-06-03. Review status: criteria provided, single submitter. Criteria: ACMG Guidelines, 2015. Collection method: clinical testing. Allele origin: germline. Affected: yes. Observed: 1 variant allele.
Comment: ACMG criteria applied: PM1, PM5, PS4_SUP, PM2_SUP, PP3

Unité médicale des maladies autoinflammatoires, CHRU Montpellier
No classification provided. Condition: Familial cold urticaria. Review status: no classification provided. Collection method: not provided. Allele origin: unknown. Not counted in ClinVar's aggregate classification.
Comment: also involved in OMIM 191900 and 607115

Literature cited by the submitters: PubMed 18063752 (cited by Labcorp Genetics (formerly Invitae), Labcorp); PubMed 21702021 (cited by Labcorp Genetics (formerly Invitae), Labcorp); PubMed 25584041 (cited by Labcorp Genetics (formerly Invitae), Labcorp); PubMed 29163488 (cited by Labcorp Genetics (formerly Invitae), Labcorp).

NM_001243133.2(NLRP3):c.1699G>A (p.Glu567Lys)

Gene: NLRP3 (NLR family pyrin domain containing 3; plus strand). Cytogenetic location: 1q44.
Variant type: single nucleotide variant.
Coding change: c.1699G>A on transcript NM_001243133.2 (MANE Select); coding-DNA position 1699, G replaced by A.
Protein change: p.Glu567Lys; replaces glutamic acid 567 with lysine.
Molecular consequence: missense variant.
Genome position (GRCh38, 1-based): chr1:247,425,148, G>A. VCF-style: chr1-247425148-G-A. GRCh37 (hg19) VCF-style: chr1-247588450-G-A.
Other names: c.1699G>A, p.Glu567Lys (NM_001079821.3, NM_001127461.3, NM_001127462.3 and 1 more transcripts); c.1705G>A, p.Glu569Lys (NM_004895.5); short protein forms E569K, E567K.
Identifiers: ClinVar variation 97944 (VCV000097944.26), dbSNP rs104895389, ClinGen allele CA281254.